The following is an entry in ClinVar:

NM_000179.3(MSH6):c.2859A>C (p.Glu953Asp)

Gene: MSH6 (mutS homolog 6; plus strand). Cytogenetic location: 2p16.3.
Variant type: single nucleotide variant.
Coding change: c.2859A>C on transcript NM_000179.3 (MANE Select); coding-DNA position 2859, A replaced by C.
Protein change: p.Glu953Asp; replaces glutamic acid 953 with aspartic acid.
Molecular consequence: missense variant.
Genome position (GRCh38, 1-based): chr2:47,800,842, A>C. VCF-style: chr2-47800842-A-C. GRCh37 (hg19) VCF-style: chr2-48027981-A-C.
Other names: c.2469A>C, p.Glu823Asp (NM_001281492.2); c.1953A>C, p.Glu651Asp (NM_001281493.2, NM_001281494.2); short protein forms E823D, E953D, E651D.
Identifiers: ClinVar variation 1517856 (VCV001517856.6), dbSNP rs1669520175, ClinGen allele CA346755911.

ClinVar aggregate classification (germline): Uncertain significance (1 of 4 stars; one submission).

Conditions:
Hereditary nonpolyposis colorectal neoplasms. Identifiers: MedGen C0009405, MeSH D003123.

Submission:

Labcorp Genetics (formerly Invitae), Labcorp
Classification: Uncertain significance for Hereditary nonpolyposis colorectal neoplasms. Last evaluated: 2021-09-07. Review status: criteria provided, single submitter. Criteria: Invitae Variant Classification Sherloc (09022015). Collection method: clinical testing. Allele origin: germline.
Comment: In summary, the available evidence is currently insufficient to determine the role of this variant in disease. Therefore, it has been classified as a Variant of Uncertain Significance. Advanced modeling of protein sequence and biophysical properties (such as structural, functional, and spatial information, amino acid conservation, physicochemical variation, residue mobility, and thermodynamic stability) performed at Invitae indicates that this missense variant is not expected to disrupt MSH6 protein function. This variant has not been reported in the literature in individuals affected with MSH6-related conditions. This variant is not present in population databases (ExAC no frequency). This sequence change replaces glutamic acid with aspartic acid at codon 953 of the MSH6 protein (p.Glu953Asp). The glutamic acid residue is moderately conserved and there is a small physicochemical difference between glutamic acid and aspartic acid.